The following is an entry in ClinVar:

NM_007217.4(PDCD10):c.66_67dup (p.Tyr23fs)

Gene: PDCD10 (programmed cell death 10; minus strand). Cytogenetic location: 3q26.1.
Variant type: Microsatellite.
Coding change: c.66_67dup on transcript NM_007217.4 (MANE Select); coding-DNA positions 66 to 67, 2 bases duplicated (CT; older notation c.66_67dupCT).
Protein change: p.Tyr23fs; shifts the reading frame from tyrosine 23.
Molecular consequence: frameshift variant.
Genome position (GRCh38, 1-based): chr3:167,720,091-167,720,092, AG duplicated on the plus strand (CT on the coding strand, the reverse complement: PDCD10 is on the minus strand); duplicating any 2 consecutive bases within chr3:167,720,091-167,720,094 gives the same sequence; the c. name uses the placement nearest the transcript's 3' end. VCF-style (leftmost placement, unchanged base first): chr3-167720090-T-TAG. GRCh37 (hg19) VCF-style: chr3-167437878-T-TAG.
Other names: c.66_67dup, p.Tyr23fs (NM_145859.2, NM_145860.2); short protein forms Y23fs.
Identifiers: ClinVar variation 3665483 (VCV003665483.2).

ClinVar aggregate classification (germline): Pathogenic (1 of 4 stars; one submission).

Conditions:
Cerebral cavernous malformation 3. Also called: Familial Cerebral Cavernous Malformation 3. Identifiers: Orphanet 221061, MedGen C1864040, MONDO:0011305, OMIM 603285.

Submission:

Labcorp Genetics (formerly Invitae), Labcorp
Classification: Pathogenic for Cerebral cavernous malformation 3. Last evaluated: 2024-03-22. Review status: criteria provided, single submitter. Criteria: Invitae Variant Classification Sherloc (09022015). Collection method: clinical testing. Allele origin: germline.
Comment: This sequence change creates a premature translational stop signal (p.Tyr23Serfs*12) in the PDCD10 gene. It is expected to result in an absent or disrupted protein product. Loss-of-function variants in PDCD10 are known to be pathogenic (PMID: 15543491, 18300272, 23801932). This variant is not present in population databases (gnomAD no frequency). This variant has not been reported in the literature in individuals affected with PDCD10-related conditions. For these reasons, this variant has been classified as Pathogenic.

Literature cited by the submitters: PubMed 15543491; PubMed 18300272; PubMed 23801932.